The following is an entry in ClinVar:

ClinVar aggregate classification (germline): Uncertain significance (1 of 4 stars; one submission).

Conditions:
Aortic valve disease 2 (AOVD2). Identifiers: MedGen C3542024, MONDO:0013902, OMIM 614823.

Submission:

Labcorp Genetics (formerly Invitae), Labcorp
Classification: Uncertain significance for Aortic valve disease 2. Last evaluated: 2025-09-10. Review status: criteria provided, single submitter. Criteria: Invitae Variant Classification Sherloc (09022015). Collection method: clinical testing. Allele origin: germline.
Comment: This variant, c.437_451del, results in the deletion of 5 amino acid(s) of the SMAD6 protein (p.Ala146_Leu150del), but otherwise preserves the integrity of the reading frame. This variant is not present in population databases (gnomAD no frequency). This variant has not been reported in the literature in individuals affected with SMAD6-related conditions. Experimental studies and prediction algorithms are not available or were not evaluated, and the functional significance of this variant is currently unknown. In summary, the available evidence is currently insufficient to determine the role of this variant in disease. Therefore, it has been classified as a Variant of Uncertain Significance.

NM_005585.5(SMAD6):c.437_451del (p.Ala146_Leu150del)

Gene: SMAD6 (SMAD family member 6; plus strand). Cytogenetic location: 15q22.31.
Variant type: Deletion.
Coding change: c.437_451del on transcript NM_005585.5 (MANE Select); coding-DNA positions 437 to 451, 15 bases deleted (CCGGGGCGGCCCTGG).
Protein change: p.Ala146_Leu150del.
Molecular consequence: inframe deletion. On other transcripts: non-coding transcript variant (1).
Genome position (GRCh38, 1-based): chr15:66,703,695-66,703,709, CCGGGGCGGCCCTGG deleted; deleting any 15 consecutive bases within chr15:66,703,689-66,703,709 gives the same sequence; the c. name uses the placement nearest the transcript's 3' end. VCF-style (leftmost placement, unchanged base first): chr15-66703688-CCCCTGGCCGGGGCGG-C. GRCh37 (hg19) VCF-style: chr15-66996026-CCCCTGGCCGGGGCGG-C.
Identifiers: ClinVar variation 4745274 (VCV004745274.1).